The following is an entry in ClinVar:

ClinVar aggregate classification (germline): Uncertain significance. Review status: criteria provided, multiple submitters, no conflicts (2 of 4 stars). 4 submissions from 4 submitters: Uncertain significance (4). Last evaluated 2024-04-04.

Conditions:
Dilated cardiomyopathy 1Z (CMD1Z). Identifiers: Orphanet 154, MedGen C2678475, MONDO:0012745, OMIM 611879.
Hypertrophic cardiomyopathy 13. Also called: TNNC1-Related Familial Hypertrophic Cardiomyopathy. Identifiers: MedGen C2750472, MONDO:0013195, OMIM 613243.

Allele frequency attached by ClinVar (database versions not stated): gnomAD exomes 0.00001; ExAC 0.00001; TOPMed 0.00004; gnomAD 0.00001; ESP Exome Variant Server 0.00008.
gnomAD v4.1: 13 of 1,614,020 alleles (0.00081%); highest among the groups gnomAD compares: Middle Eastern, 0.033%; no homozygotes.

Submissions (4):

Genomic Medicine Center of Excellence, King Faisal Specialist Hospital and Research Centre
Classification: Uncertain significance for Dilated cardiomyopathy 1Z. Last evaluated: 2024-04-04. Review status: criteria provided, single submitter. Criteria: ACMG Guidelines, 2015. Collection method: clinical testing. Allele origin: germline.

Labcorp Genetics (formerly Invitae), Labcorp
Classification: Uncertain significance for Hypertrophic cardiomyopathy 13; Dilated cardiomyopathy 1Z. Last evaluated: 2023-12-23. Review status: criteria provided, single submitter. Criteria: Invitae Variant Classification Sherloc (09022015). Collection method: clinical testing. Allele origin: germline.
Comment: This sequence change replaces aspartic acid, which is acidic and polar, with asparagine, which is neutral and polar, at codon 145 of the TNNC1 protein (p.Asp145Asn). This variant is present in population databases (rs142759728, gnomAD 0.003%). This missense change has been observed in individual(s) with sudden unexplained death (PMID: 27650965). ClinVar contains an entry for this variant (Variation ID: 409874). An algorithm developed to predict the effect of missense changes on protein structure and function (PolyPhen-2) suggests that this variant is likely to be disruptive. In summary, the available evidence is currently insufficient to determine the role of this variant in disease. Therefore, it has been classified as a Variant of Uncertain Significance.

GeneDx
Classification: Uncertain significance. Last evaluated: 2022-09-23. Review status: criteria provided, single submitter. Criteria: GeneDx Variant Classification Process June 2021. Collection method: clinical testing. Allele origin: germline. Affected: yes.
Comment: Identified in a patient with sudden unexplained death (SUD) while driving who also harbored a variant in the MYBPC3 gene (Christiansen et al., 2016); Not observed at significant frequency in large population cohorts (gnomAD); In silico analysis supports that this missense variant has a deleterious effect on protein structure/function; This variant is associated with the following publications: (PMID: 30681346, 27650965)

AiLife Diagnostics
Classification: Uncertain significance. Last evaluated: 2022-03-10. Review status: criteria provided, single submitter. Criteria: ACMG Guidelines, 2015. Collection method: clinical testing. Allele origin: germline. Affected: yes. Observed: 1 variant allele.

Literature cited by the submitters: PubMed 27650965 (cited by Labcorp Genetics (formerly Invitae), Labcorp and AiLife Diagnostics).

NM_003280.3(TNNC1):c.433G>A (p.Asp145Asn)

Gene: TNNC1 (troponin C1, slow skeletal and cardiac type; minus strand). Cytogenetic location: 3p21.1.
Variant type: single nucleotide variant.
Coding change: c.433G>A on transcript NM_003280.3 (MANE Select); coding-DNA position 433, G replaced by A.
Protein change: p.Asp145Asn; replaces aspartic acid 145 with asparagine.
Molecular consequence: missense variant.
Genome position (GRCh38, 1-based): chr3:52,451,412, C>T on the plus strand (G>A on the coding strand, the complement: TNNC1 is on the minus strand). VCF-style: chr3-52451412-C-T. GRCh37 (hg19) VCF-style: chr3-52485428-C-T.
Other names: c.433G>A (LRG_378t1); short protein forms D145N.
Identifiers: ClinVar variation 409874 (VCV000409874.7), dbSNP rs142759728, ClinGen allele CA2438494.